The following is an entry in ClinVar:

NM_002074.5(GNB1):c.229G>C (p.Gly77Arg)

Gene: GNB1 (G protein subunit beta 1; minus strand). Cytogenetic location: 1p36.33.
Variant type: single nucleotide variant.
Coding change: c.229G>C on transcript NM_002074.5 (MANE Select); coding-DNA position 229, G replaced by C.
Protein change: p.Gly77Arg; replaces glycine 77 with arginine.
Molecular consequence: missense variant. On other transcripts: 5 prime UTR variant (1).
Genome position (GRCh38, 1-based): chr1:1,806,513, C>G on the plus strand (G>C on the coding strand, the complement: GNB1 is on the minus strand). VCF-style: chr1-1806513-C-G. GRCh37 (hg19) VCF-style: chr1-1737952-C-G.
Other names: c.-72G>C (NM_001282538.2); c.229G>C, p.Gly77Arg (NM_001282539.2); short protein forms G77R.
Identifiers: ClinVar variation 3775807 (VCV003775807.2).

ClinVar aggregate classification (germline): Pathogenic (1 of 4 stars; one submission).

Conditions:
Intellectual developmental disorder, autosomal dominant 42. Also called: GNB1 Encephalopathy; Intellectual disability, autosomal dominant 42; Global developmental delay-neuro-ophthalmological abnormalities-seizures-intellectual disability syndrome. Identifiers: Orphanet 488613, MedGen C4310774, MONDO:0014855, OMIM 616973.

Submission:

3billion
Classification: Pathogenic for Intellectual developmental disorder, autosomal dominant 42. Last evaluated: 2025-12-03. Review status: criteria provided, single submitter. Criteria: ACMG Guidelines, 2015. Collection method: clinical testing. Allele origin: germline. Affected: yes.
Comment: The variant is not observed in the gnomAD v4.1.0 dataset. Predicted Consequence/Location: The variant is located in a mutational hot spot and/or well-established functional domain in which established pathogenic variants have been reported. Missense variant. Missense changes are a common disease-causing mechanism. In silico tool predictions suggest damaging effect of the variant on gene or gene product [REVEL: 0.61 (>=0.6, sensitivity 0.68 and specificity 0.92); 3Cnet: 0.93 (> 0.75, sensitivity 0.96 and precision 0.92)]. The same nucleotide change resulting in the same amino acid change has been previously reported to be associated with GNB1-related disorder (ClinVar ID: VCV003775807 /PMID: 30194818 /3billion dataset). The variant has been previously reported as de novo in a similarly affected individual (PMID: 30194818). Different missense changes at the same codon (p.Gly77Ala, p.Gly77Asp, p.Gly77Cys, p.Gly77Ser, p.Gly77Val) have been reported as pathogenic/likely pathogenic with strong evidence (ClinVar ID: VCV000224713, VCV000431082, VCV000985590, VCV001315582, VCV001700090 /PMID: 27108799, 27759915, 29174093, 36672771). Therefore, this variant is classified as Pathogenic according to the recommendation of ACMG/AMP guideline.

Literature cited by the submitters: PubMed 27108799; PubMed 30194818.